The following is an entry in ClinVar:

NC_000005.10:g.112707404_112707424dup

Gene: APC (APC regulator of Wnt signaling pathway; plus strand). Cytogenetic location: 5q22.2.
Variant type: Duplication.
Genome position: GRCh38 VCF-style: chr5-112707399-A-AGCAGTGCCCGGCAAGCGGAGC. GRCh37 (hg19) VCF-style: chr5-112043096-A-AGCAGTGCCCGGCAAGCGGAGC.
Identifiers: ClinVar variation 1438290 (VCV001438290.6), dbSNP rs2149628434, ClinGen allele CA2573138751.
Genomic context (GRCh38, chr5:112,707,399, plus strand): 5'-AAGTGCTGCAACTGAGACTCGGCTGCCTAGGCAGCAATGGCTCACGGGACAGAACAGCGA[A>AGCAGTGCCCGGCAAGCGGAGC]GCAGTGCCCGGCAAGCGGAGCGCAGCACCCATTGCGCCTGCGCATAACAGGCTCTAGTCT-3'

ClinVar aggregate classification (germline): Uncertain significance (1 of 4 stars; one submission).

Conditions:
Familial adenomatous polyposis 1 (FAP1). Also called: FAMILIAL ADENOMATOUS POLYPOSIS 1, ATTENUATED; POLYPOSIS, ADENOMATOUS INTESTINAL. Identifiers: MedGen C2713442, MONDO:0021056, OMIM 175100. Disease mechanism: loss of function.

Submission:

Labcorp Genetics (formerly Invitae), Labcorp
Classification: Uncertain significance for Familial adenomatous polyposis 1. Last evaluated: 2023-05-23. Review status: criteria provided, single submitter. Criteria: Invitae Variant Classification Sherloc (09022015). Collection method: clinical testing. Allele origin: germline.
Comment: In summary, the available evidence is currently insufficient to determine the role of this variant in disease. Therefore, it has been classified as a Variant of Uncertain Significance. Experimental studies and prediction algorithms are not available or were not evaluated, and the functional significance of this variant is currently unknown. This variant has not been reported in the literature in individuals affected with APC-related conditions. This variant is not present in population databases (gnomAD no frequency). This variant occurs in a non-coding region of the APC gene. It does not change the encoded amino acid sequence of the APC protein.